The following is an entry in ClinVar:

ClinVar aggregate classification (germline): Uncertain significance (1 of 4 stars; one submission).

Submission:

Labcorp Genetics (formerly Invitae), Labcorp
Classification: Uncertain significance. Last evaluated: 2022-08-11. Review status: criteria provided, single submitter. Criteria: Invitae Variant Classification Sherloc (09022015). Collection method: clinical testing. Allele origin: germline.
Comment: This sequence change replaces isoleucine, which is neutral and non-polar, with threonine, which is neutral and polar, at codon 1761 of the POLE protein (p.Ile1761Thr). This variant is not present in population databases (gnomAD no frequency). This variant has not been reported in the literature in individuals affected with POLE-related conditions. ClinVar contains an entry for this variant (Variation ID: 1006426). Algorithms developed to predict the effect of missense changes on protein structure and function (SIFT, PolyPhen-2, Align-GVGD) all suggest that this variant is likely to be tolerated. In summary, the available evidence is currently insufficient to determine the role of this variant in disease. Therefore, it has been classified as a Variant of Uncertain Significance.

NM_006231.4(POLE):c.5282T>C (p.Ile1761Thr)

Gene: POLE (DNA polymerase epsilon, catalytic subunit; minus strand). Cytogenetic location: 12q24.33.
Variant type: single nucleotide variant.
Coding change: c.5282T>C on transcript NM_006231.4 (MANE Select); coding-DNA position 5282, T replaced by C.
Protein change: p.Ile1761Thr; replaces isoleucine 1761 with threonine.
Molecular consequence: missense variant.
Genome position (GRCh38, 1-based): chr12:132,641,743, A>G on the plus strand (T>C on the coding strand, the complement: POLE is on the minus strand). VCF-style: chr12-132641743-A-G. GRCh37 (hg19) VCF-style: chr12-133218329-A-G.
Other names: short protein forms I1761T.
Identifiers: ClinVar variation 1006426 (VCV001006426.10), dbSNP rs2042147778, ClinGen allele CA387376165.